The following is an entry in ClinVar:

NM_000282.4(PCCA):c.1367G>T (p.Gly456Val)

Gene: PCCA (propionyl-CoA carboxylase subunit alpha; plus strand). Cytogenetic location: 13q32.3.
Variant type: single nucleotide variant.
Coding change: c.1367G>T on transcript NM_000282.4 (MANE Select); coding-DNA position 1367, G replaced by T.
Protein change: p.Gly456Val; replaces glycine 456 with valine.
Molecular consequence: missense variant. On other transcripts: non-coding transcript variant (5).
Genome position (GRCh38, 1-based): chr13:100,309,846, G>T. VCF-style: chr13-100309846-G-T. GRCh37 (hg19) VCF-style: chr13-100962100-G-T.
Other names: c.1289G>T, p.Gly430Val (NM_001127692.3, NM_001352607.2); c.1367G>T, p.Gly456Val (NM_001178004.2, NM_001352605.2, NM_001352609.2); c.1223G>T, p.Gly408Val (NM_001352606.2); c.1145G>T, p.Gly382Val (NM_001352608.2); c.422G>T, p.Gly141Val (NM_001352610.2, NM_001352611.2); c.278G>T, p.Gly93Val (NM_001352612.2); c.1367G>T (NM_000282.3); short protein forms G141V, G382V, G408V, G430V, G456V, G93V.
Identifiers: ClinVar variation 3251878 (VCV003251878.4), dbSNP rs2066766926.

ClinVar aggregate classification (germline): Likely pathogenic. Review status: criteria provided, multiple submitters, no conflicts (2 of 4 stars). 4 submissions from 4 submitters: Likely pathogenic (4). Last evaluated 2026-04-01.

Conditions:
Propionic acidemia (PROP). Also called: GLYCINEMIA, KETOTIC; HYPERGLYCINEMIA WITH KETOACIDOSIS AND LEUKOPENIA; KETOTIC HYPERGLYCINEMIA. Identifiers: Orphanet 35, MedGen C0268579, MONDO:0011628, OMIM 606054, HP:0003571.

Allele frequency attached by ClinVar (database versions not stated): gnomAD 0.00001; TOPMed 0.00001.
gnomAD v4.1: 1 of 1,611,276 alleles (0.000062%); highest among the groups gnomAD compares: Non-Finnish European, 0.000085%; no homozygotes.

Submissions (4):

GeneDx
Classification: Likely pathogenic. Last evaluated: 2026-04-01. Review status: criteria provided, single submitter. Criteria: GeneDx Variant Classification Process June 2021. Collection method: clinical testing. Allele origin: germline.
Comment: Not observed at significant frequency in large population cohorts (gnomAD); In silico analysis supports that this missense variant has a deleterious effect on protein structure/function; This variant is associated with the following publications: (PMID: 33923806, 30274917)

Natera, Inc.
Classification: Likely pathogenic for Propionic acidemia. Last evaluated: 2025-11-05. Review status: criteria provided, single submitter. Criteria: Natera Variant Classification Schema (03/2026). Collection method: clinical testing. Allele origin: germline.
Comment: The c.1367G>T variant in PCCA is a missense variant predicted to cause substitution of glycine to valine at amino acid 456. This variant is rare in the general population with a frequency below the threshold expected for the associated phenotype(s). This variant has been observed in one or more individuals affected with the associated recessive disease, as either homozygous or compound heterozygous with a second variant (PMID: 30274917). Functional studies show that this variant may disrupt protein function (PMID: 30274917). Computational prediction algorithms indicate this variant is likely to affect gene or protein function. Given the available evidence, this variant is classified as Likely Pathogenic.

Fulgent Genetics
Classification: Likely pathogenic for Propionic acidemia. Last evaluated: 2024-04-22. Review status: criteria provided, single submitter. Criteria: ACMG Guidelines, 2015. Collection method: clinical testing. Allele origin: germline.

Women's Health and Genetics/Laboratory Corporation of America, LabCorp
Classification: Likely pathogenic for Propionic acidemia. Last evaluated: 2024-04-18. Review status: criteria provided, single submitter. Criteria: LabCorp Variant Classification Summary - May 2015. Collection method: clinical testing. Allele origin: germline.
Comment: Variant summary: PCCA c.1367G>T (p.Gly456Val) results in a non-conservative amino acid change located in the biotin carboxylase c-terminal domain (PF02785) of the encoded protein sequence. Five of five in-silico tools predict a damaging effect of the variant on protein function. The variant was absent in 251260 control chromosomes. c.1367G>T has been reported in the literature in an individual affected with Propionic Acidemia (Rivera-Barahona_2018). At least one publication reports experimental evidence showing absent protein expression and <10% of normal activity (Rivera-Barahona_2018). The following publication have been ascertained in the context of this evaluation (PMID: 30274917). No submitters have cited clinical-significance assessments for this variant to ClinVar. Based on the evidence outlined above, the variant was classified as likely pathogenic.

Literature cited by the submitters: PubMed 30274917 (cited by Natera, Inc. and Women's Health and Genetics/Laboratory Corporation of America, LabCorp).